The following is an entry in ClinVar:

NM_001199107.2(TBC1D24):c.214A>G (p.Ser72Gly)

Gene: TBC1D24 (TBC1 domain family member 24; plus strand). Cytogenetic location: 16p13.3.
Variant type: single nucleotide variant.
Coding change: c.214A>G on transcript NM_001199107.2 (MANE Select); coding-DNA position 214, A replaced by G.
Protein change: p.Ser72Gly; replaces serine 72 with glycine.
Molecular consequence: missense variant.
Genome position (GRCh38, 1-based): chr16:2,496,362, A>G. VCF-style: chr16-2496362-A-G. GRCh37 (hg19) VCF-style: chr16-2546363-A-G.
Other names: c.214A>G, p.Ser72Gly (NM_020705.3); short protein forms S72G.
Identifiers: ClinVar variation 4531600 (VCV004531600.1).
Genomic context (GRCh38, chr16:2,496,362, plus strand): 5'-GGAAAGGTGTACCAGCGCCTGATCCGGGACATTCCCTGCCGCACGGTCACGCCTGACGCC[A>G]GCGTGTACAGCGACATCGTGGGCAAGATCGTGGGCAAGCACAGCAGCAGCTGCCTGCCGC-3'
Protein context (NP_001186036.1, residues 62-82): IPCRTVTPDA[Ser72Gly]VYSDIVGKIV

ClinVar aggregate classification (germline): Uncertain significance (1 of 4 stars; one submission).

Conditions:
Autosomal dominant nonsyndromic hearing loss 65. Also called: Deafness, autosomal dominant 65; TBC1D24-Related Autosomal Dominant Nonsyndromic Hearing Loss (DFNA). Identifiers: Orphanet 90635, MedGen C3892048, MONDO:0014470, OMIM 616044.

Submission:

Victorian Clinical Genetics Services, Murdoch Childrens Research Institute
Classification: Uncertain significance for Autosomal dominant nonsyndromic hearing loss 65. Last evaluated: 2025-06-26. Review status: criteria provided, single submitter. Criteria: ACMG Guidelines, 2015. Collection method: clinical testing. Allele origin: germline. Affected: yes.
Comment: This variant is classified as VUS-3C. Evidence in support of pathogenic classification: Variant is absent from gnomAD (v2, v3 and v4). Evidence in support of benign classification: Missense variant predicted to be tolerated by in silico tool(s) or not conserved in placental mammals with a minor amino acid change. Additional information: Variant is predicted to result in a missense amino acid change from serine to glycine; This variant is heterozygous; This gene is associated with autosomal recessive disease. Autosomal dominant nonsyndromic hearing loss is also associated with this gene and is rare with limited evidence (ClinGen); Alternative amino acid change(s) at the same position are present in gnomAD (Highest alelle count: v4: 2 heterozygote(s), 0 homozygote(s)) ; This variant has no previous evidence of pathogenicity; No published segregation evidence has been identified for this variant; No published functional evidence has been identified for this variant; Another missense variant(s) comparable to the one identified in this case has inconclusive previous evidence for pathogenicity. An alternative change to asparagine has been classified as a VUS by a clinical laboratory in ClinVar; Variant is located in the annotated Rab-GTPase-TBC domain (DECIPHER); Loss of function is a known mechanism of disease in this gene and is associated with autosomal recessive deafness 86 (MIM#614617), DOORS syndrome (MIM#220500), epilepsy, rolandic, with proxysmal exercise-induce dystonia and writer's cramp (MIM#608105), developmental and epileptic encephalopathy 16 (MIM#615338) and familial, infantile myoclonic epilepsy (MIM#605021). Dominant negative or gain of function is suggested to be the mechanism of autosomal dominant deafness, 65 (MIM#616044) (PMID: 27281533); Variants in this gene are known to have variable expressivity. Inter and intra-familial variability has been reported (PMID: 25719194); Inheritance information for this variant is not currently available in this individual.

Literature cited by the submitters: PubMed 25719194; PubMed 27281533.